The following is an entry in ClinVar:

ClinVar aggregate classification (germline): Likely pathogenic (1 of 4 stars; one submission).

Conditions:
Cardiac valvular dysplasia, X-linked (CVDPX). Also called: MYXOMATOUS VALVULAR DYSTROPHY, X-LINKED; VALVULAR HEART DISEASE, CONGENITAL; Congenital valvular dysplasia; Isolated X-Linked Cardiac Valvular Dysplasia; FLNA-Related X-linked Cardiac Valvular Dysplasia. Identifiers: Orphanet 1864, Orphanet 555877, Orphanet 75497, MedGen C0262436, MONDO:0010753, OMIM 314400.

Submission:

3billion
Classification: Likely pathogenic for Cardiac valvular dysplasia, X-linked. Last evaluated: 2024-12-05. Review status: criteria provided, single submitter. Criteria: ACMG Guidelines, 2015. Collection method: clinical testing. Allele origin: germline. Affected: yes.
Comment: The variant is not observed in the gnomAD v4.1.0 dataset. Predicted Consequence/Location: Frameshift: predicted to result in a loss or disruption of normal protein function through nonsense-mediated decay (NMD) or protein truncation. Multiple pathogenic variants are reported downstream of the variant. Therefore, this variant is classified as Likely pathogenic according to the recommendation of ACMG/AMP guideline.

NM_001110556.2(FLNA):c.5332_5339del (p.Val1778fs)

Gene: FLNA (filamin A; minus strand). Cytogenetic location: Xq28.
Variant type: Deletion.
Coding change: c.5332_5339del on transcript NM_001110556.2 (MANE Select); coding-DNA positions 5332 to 5339, 8 bases deleted (GTGGGTGT; older notation c.5332_5339delGTGGGTGT).
Protein change: p.Val1778fs; shifts the reading frame from valine 1778.
Molecular consequence: frameshift variant.
Genome position (GRCh38, 1-based): chrX:154,354,458-154,354,465, ACACCCAC deleted on the plus strand (GTGGGTGT on the coding strand, the reverse complement: FLNA is on the minus strand). VCF-style (leftmost placement, unchanged base first): chrX-154354457-GACACCCAC-G. GRCh37 (hg19) VCF-style: chrX-153582825-GACACCCAC-G.
Other names: c.5308_5315del, p.Val1770fs (NM_001456.4); short protein forms V1770fs, V1778fs.
Identifiers: ClinVar variation 4292411 (VCV004292411.1).